The following is an entry in ClinVar:

ClinVar aggregate classification (germline): Conflicting classifications of pathogenicity. Review status: criteria provided, conflicting classifications (1 of 4 stars). 3 submissions from 3 submitters: Uncertain significance (2); Likely benign (1). Last evaluated 2024-12-22.

Conditions:
Developmental and epileptic encephalopathy, 36 (DEE36). Also called: Epileptic encephalopathy, early infantile, 36; Congenital disorder of glycosylation, type Is; ALG13-CDG. Identifiers: Orphanet 324422, MedGen C4317295, MONDO:0010472, OMIM 300884.
Inborn genetic diseases. Identifiers: MedGen C0950123, MeSH D030342.

Allele frequency attached by ClinVar (database versions not stated): gnomAD 0.00005 and 0.00007; TOPMed 0.00023.
gnomAD v4.1: 15 of 1,176,936 alleles (0.0013%); highest among the groups gnomAD compares: Admixed American, 0.021%; no homozygotes.

Submissions (3):

Labcorp Genetics (formerly Invitae), Labcorp
Classification: Uncertain significance for Developmental and epileptic encephalopathy, 36. Last evaluated: 2024-12-22. Review status: criteria provided, single submitter. Criteria: Invitae Variant Classification Sherloc (09022015). Collection method: clinical testing. Allele origin: germline.
Comment: This sequence change replaces phenylalanine, which is neutral and non-polar, with leucine, which is neutral and non-polar, at codon 252 of the ALG13 protein (p.Phe252Leu). This variant is present in population databases (no rsID available, gnomAD 0.004%), including at least one homozygous and/or hemizygous individual. This variant has not been reported in the literature in individuals affected with ALG13-related conditions. ClinVar contains an entry for this variant (Variation ID: 574279). Invitae Evidence Modeling of protein sequence and biophysical properties (such as structural, functional, and spatial information, amino acid conservation, physicochemical variation, residue mobility, and thermodynamic stability) has been performed for this missense variant. However, the output from this modeling did not meet the statistical confidence thresholds required to predict the impact of this variant on ALG13 protein function. In summary, the available evidence is currently insufficient to determine the role of this variant in disease. Therefore, it has been classified as a Variant of Uncertain Significance.

GeneDx
Classification: Likely benign. Last evaluated: 2021-04-28. Review status: criteria provided, single submitter. Criteria: GeneDx Variant Classification Process June 2021. Collection method: clinical testing. Allele origin: germline. Affected: yes.

Ambry Genetics
Classification: Uncertain significance for Inborn genetic diseases. Last evaluated: 2016-11-01. Review status: criteria provided, single submitter. Criteria: Ambry Variant Classification Scheme 2023. Collection method: clinical testing. Allele origin: germline.
Comment: The p.F252L variant (also known as c.756T>G), located in coding exon 5 of the ALG13 gene, results from a T to G substitution at nucleotide position 756. The phenylalanine at codon 252 is replaced by leucine, an amino acid with highly similar properties. This variant was not reported in population based cohorts in the following databases: Database of Single Nucleotide Polymorphisms (dbSNP), NHLBI Exome Sequencing Project (ESP), and 1000 Genomes Project. In the ESP, this variant was not observed in 5147 samples with coverage at this position. This amino acid position is well conserved in available vertebrate species. In addition, this alteration is predicted to be tolerated by in silico analysis. Since supporting evidence is limited at this time, the clinical significance of this alteration remains unclear.

NM_001099922.3(ALG13):c.756T>G (p.Phe252Leu)

Gene: ALG13 (ALG13 UDP-N-acetylglucosaminyltransferase subunit; plus strand). Cytogenetic location: Xq23.
Variant type: single nucleotide variant.
Coding change: c.756T>G on transcript NM_001099922.3 (MANE Select); coding-DNA position 756, T replaced by G.
Protein change: p.Phe252Leu; replaces phenylalanine 252 with leucine.
Molecular consequence: missense variant. On other transcripts: non-coding transcript variant (1).
Genome position (GRCh38, 1-based): chrX:111,708,970, T>G. VCF-style: chrX-111708970-T-G. GRCh37 (hg19) VCF-style: chrX-110952198-T-G.
Other names: c.444T>G, p.Phe148Leu (NM_001257230.2, NM_001257234.2, NM_001257237.2 and 1 more transcripts); c.522T>G, p.Phe174Leu (NM_001257231.2); c.756T>G, p.Phe252Leu (NM_001324292.2); short protein forms F148L, F252L, F174L.
Identifiers: ClinVar variation 574279 (VCV000574279.13), dbSNP rs915629293, ClinGen allele CA334443200.